The following is an entry in ClinVar:

NM_006231.4(POLE):c.715C>T (p.His239Tyr)

Gene: POLE (DNA polymerase epsilon, catalytic subunit; minus strand). Cytogenetic location: 12q24.33.
Variant type: single nucleotide variant.
Coding change: c.715C>T on transcript NM_006231.4 (MANE Select); coding-DNA position 715, C replaced by T.
Protein change: p.His239Tyr; replaces histidine 239 with tyrosine.
Molecular consequence: missense variant.
Genome position (GRCh38, 1-based): chr12:132,677,583, G>A on the plus strand (C>T on the coding strand, the complement: POLE is on the minus strand). VCF-style: chr12-132677583-G-A. GRCh37 (hg19) VCF-style: chr12-133254169-G-A.
Other names: c.715C>T (NM_006231.2); short protein forms H239Y.
Identifiers: ClinVar variation 1420439 (VCV001420439.9), dbSNP rs2136019983, ClinGen allele CA387364589.

ClinVar aggregate classification (germline): Uncertain significance. Review status: criteria provided, multiple submitters, no conflicts (2 of 4 stars). 2 submissions from 2 submitters: Uncertain significance (2). Last evaluated 2025-12-23.

Conditions:
Hereditary cancer-predisposing syndrome. Also called: Neoplastic Syndromes, Hereditary; Tumor predisposition; Hereditary Cancer Syndrome; Hereditary neoplastic syndrome. Identifiers: Orphanet 140162, MedGen C0027672, MeSH D009386, MONDO:0015356.

Submissions (2):

Ambry Genetics
Classification: Uncertain significance for Hereditary cancer-predisposing syndrome. Last evaluated: 2025-12-23. Review status: criteria provided, single submitter. Criteria: Ambry Variant Classification Scheme 2023. Collection method: clinical testing. Allele origin: germline.
Comment: The p.H239Y variant (also known as c.715C>T), located in coding exon 7 of the POLE gene, results from a C to T substitution at nucleotide position 715. The histidine at codon 239 is replaced by tyrosine, an amino acid with similar properties. This amino acid position is conserved. In addition, this alteration is predicted to be tolerated by in silico analysis. Based on the available evidence, the clinical significance of this variant remains unclear.

Labcorp Genetics (formerly Invitae), Labcorp
Classification: Uncertain significance. Last evaluated: 2023-07-26. Review status: criteria provided, single submitter. Criteria: Invitae Variant Classification Sherloc (09022015). Collection method: clinical testing. Allele origin: germline.
Comment: This sequence change replaces histidine, which is basic and polar, with tyrosine, which is neutral and polar, at codon 239 of the POLE protein (p.His239Tyr). This variant is not present in population databases (gnomAD no frequency). This variant has not been reported in the literature in individuals affected with POLE-related conditions. ClinVar contains an entry for this variant (Variation ID: 1420439). Advanced modeling of protein sequence and biophysical properties (such as structural, functional, and spatial information, amino acid conservation, physicochemical variation, residue mobility, and thermodynamic stability) performed at Invitae indicates that this missense variant is not expected to disrupt POLE protein function. In summary, the available evidence is currently insufficient to determine the role of this variant in disease. Therefore, it has been classified as a Variant of Uncertain Significance.